The following is an entry in ClinVar:

ClinVar aggregate classification (germline): Uncertain significance. Review status: criteria provided, multiple submitters, no conflicts (2 of 4 stars). 2 submissions from 2 submitters: Uncertain significance (2). Last evaluated 2024-12-20.

Conditions:
Pancreatic adenocarcinoma. Identifiers: MedGen C0281361, MONDO:0006047, HP:0006725.

Allele frequency attached by ClinVar (database versions not stated): TOPMed 0.00002; gnomAD exomes 0.00004 and 0.00001; ExAC 0.00001; gnomAD 0.00001.
gnomAD v4.1: 55 of 1,612,960 alleles (0.0034%); highest among the groups gnomAD compares: East Asian, 0.11%; no homozygotes.

Submissions (2):

Labcorp Genetics (formerly Invitae), Labcorp
Classification: Uncertain significance for Pancreatic adenocarcinoma. Last evaluated: 2024-12-20. Review status: criteria provided, single submitter. Criteria: Invitae Variant Classification Sherloc (09022015). Collection method: clinical testing. Allele origin: germline.
Comment: This sequence change replaces arginine, which is basic and polar, with glutamine, which is neutral and polar, at codon 420 of the PALLD protein (p.Arg420Gln). This variant is present in population databases (rs755336512, gnomAD 0.003%). This variant has not been reported in the literature in individuals affected with PALLD-related conditions. ClinVar contains an entry for this variant (Variation ID: 1367380). An algorithm developed to predict the effect of missense changes on protein structure and function (PolyPhen-2) suggests that this variant is likely to be tolerated. In summary, the available evidence is currently insufficient to determine the role of this variant in disease. Therefore, it has been classified as a Variant of Uncertain Significance.

Ambry Genetics
Classification: Uncertain significance. Last evaluated: 2022-10-31. Review status: criteria provided, single submitter. Criteria: Ambry Variant Classification Scheme 2023. Collection method: clinical testing. Allele origin: germline.
Comment: The p.R907Q variant (also known as c.2720G>A), located in coding exon 15 of the PALLD gene, results from a G to A substitution at nucleotide position 2720. The arginine at codon 907 is replaced by glutamine, an amino acid with highly similar properties. This amino acid position is conserved. In addition, the in silico prediction for this alteration is inconclusive. Since supporting evidence is limited at this time, the clinical significance of this alteration remains unclear.

NM_001166108.2(PALLD):c.2771G>A (p.Arg924Gln)

Genes: CBR4 (carbonyl reductase 4; minus strand), PALLD (palladin, cytoskeletal associated protein; plus strand). Cytogenetic location: 4q32.3.
Variant type: single nucleotide variant.
Coding change: c.2771G>A on transcript NM_001166108.2 (MANE Select); coding-DNA position 2771, G replaced by A.
Protein change: p.Arg924Gln; replaces arginine 924 with glutamine.
Molecular consequence: missense variant.
Genome position (GRCh38, 1-based): chr4:168,915,948, G>A. VCF-style: chr4-168915948-G-A. GRCh37 (hg19) VCF-style: chr4-169837099-G-A.
Other names: c.1574G>A, p.Arg525Gln (NM_001166109.2); c.1259G>A, p.Arg420Gln (NM_001166110.2); c.599G>A, p.Arg200Gln (NM_001367567.1, NM_001367569.1); c.650G>A, p.Arg217Gln (NM_001367568.1, NM_001367570.1); c.2720G>A, p.Arg907Gln (NM_016081.4); short protein forms R924Q, R217Q, R525Q, R907Q, R420Q, R200Q.
Identifiers: ClinVar variation 1367380 (VCV001367380.10), dbSNP rs755336512, ClinGen allele CA3135957.